The following is an entry in ClinVar:

NM_006389.5(HYOU1):c.1913C>T (p.Pro638Leu)

Gene: HYOU1 (hypoxia up-regulated 1; minus strand). Cytogenetic location: 11q23.3.
Variant type: single nucleotide variant.
Coding change: c.1913C>T on transcript NM_006389.5 (MANE Select); coding-DNA position 1913, C replaced by T.
Protein change: p.Pro638Leu; replaces proline 638 with leucine.
Molecular consequence: missense variant.
Genome position (GRCh38, 1-based): chr11:119,049,097, G>A on the plus strand (C>T on the coding strand, the complement: HYOU1 is on the minus strand). VCF-style: chr11-119049097-G-A. GRCh37 (hg19) VCF-style: chr11-118919809-G-A.
Other names: c.1913C>T, p.Pro638Leu (NM_001130991.3, NM_001411041.1); short protein forms P638L.
Identifiers: ClinVar variation 4778845 (VCV004778845.1).

ClinVar aggregate classification (germline): Uncertain significance (1 of 4 stars; one submission).

gnomAD v4.1: 9 of 1,613,954 alleles (0.00056%); highest among the groups gnomAD compares: Non-Finnish European, 0.00076%; no homozygotes.

Submission:

Labcorp Genetics (formerly Invitae), Labcorp
Classification: Uncertain significance. Last evaluated: 2025-06-03. Review status: criteria provided, single submitter. Criteria: Invitae Variant Classification Sherloc (09022015). Collection method: clinical testing. Allele origin: germline.
Comment: This sequence change replaces proline, which is neutral and non-polar, with leucine, which is neutral and non-polar, at codon 638 of the HYOU1 protein (p.Pro638Leu). This variant is not present in population databases (gnomAD no frequency). This variant has not been reported in the literature in individuals affected with HYOU1-related conditions. An algorithm developed to predict the effect of missense changes on protein structure and function outputs the following: PolyPhen-2: "Benign". The leucine amino acid residue is found in multiple mammalian species, which suggests that this missense change does not adversely affect protein function. In summary, the available evidence is currently insufficient to determine the role of this variant in disease. Therefore, it has been classified as a Variant of Uncertain Significance.